The following is an entry in ClinVar:

NM_000535.7(PMS2):c.2377A>C (p.Ser793Arg)

Gene: PMS2 (PMS1 homolog 2, mismatch repair system component; minus strand). Cytogenetic location: 7p22.1.
Variant type: single nucleotide variant.
Coding change: c.2377A>C on transcript NM_000535.7 (MANE Select); coding-DNA position 2377, A replaced by C.
Protein change: p.Ser793Arg; replaces serine 793 with arginine.
Molecular consequence: missense variant. On other transcripts: non-coding transcript variant (1).
Genome position (GRCh38, 1-based): chr7:5,977,656, T>G on the plus strand (A>C on the coding strand, the complement: PMS2 is on the minus strand). VCF-style: chr7-5977656-T-G. GRCh37 (hg19) VCF-style: chr7-6017287-T-G.
Other names: c.1972A>C, p.Ser658Arg (NM_001018040.1, NM_001322003.2, NM_001322004.2 and 12 more transcripts); c.2221A>C, p.Ser741Arg (NM_001322006.2); c.2059A>C, p.Ser687Arg (NM_001322007.2, NM_001322008.2, NM_001406883.1); c.2005A>C, p.Ser669Arg (NM_001322009.2, NM_001406887.1, NM_001406888.1); c.1816A>C, p.Ser606Arg (NM_001322010.2, NM_001406906.1, NM_001406907.1); c.1444A>C, p.Ser482Arg (NM_001322011.2, NM_001322012.2); c.1804A>C, p.Ser602Arg (NM_001322013.2, NM_001406908.1, NM_001406909.1); c.2410A>C, p.Ser804Arg (NM_001322014.2); and 20 more; short protein forms S482R, S536R, S622R, S658R, S737R, S554R, S602R, S606R.
Identifiers: ClinVar variation 1790371 (VCV001790371.2), dbSNP rs1781833468, ClinGen allele CA366735768.

ClinVar aggregate classification (germline): Uncertain significance (1 of 4 stars; one submission).

Conditions:
Hereditary cancer-predisposing syndrome. Also called: Hereditary Cancer Syndrome; Hereditary neoplastic syndrome; Tumor predisposition; Neoplastic Syndromes, Hereditary. Identifiers: Orphanet 140162, MedGen C0027672, MeSH D009386, MONDO:0015356.

Submission:

Ambry Genetics
Classification: Uncertain significance for Hereditary cancer-predisposing syndrome. Last evaluated: 2022-09-26. Review status: criteria provided, single submitter. Criteria: Ambry Variant Classification Scheme 2023. Collection method: clinical testing. Allele origin: germline.
Comment: The p.S793R variant (also known as c.2377A>C), located in coding exon 14 of the PMS2 gene, results from an A to C substitution at nucleotide position 2377. The serine at codon 793 is replaced by arginine, an amino acid with dissimilar properties. This amino acid position is conserved. In addition, this alteration is predicted to be tolerated by in silico analysis. Since supporting evidence is limited at this time, the clinical significance of this alteration remains unclear.